The following is an entry in ClinVar:

ClinVar aggregate classification (germline): Likely pathogenic. Review status: criteria provided, single submitter (1 of 4 stars). 2 submissions from 2 submitters: Likely pathogenic (1). 1 of the submissions does not count toward it. Last evaluated 2023-06-09.

Conditions:
Propionic acidemia (PROP). Also called: GLYCINEMIA, KETOTIC; HYPERGLYCINEMIA WITH KETOACIDOSIS AND LEUKOPENIA; KETOTIC HYPERGLYCINEMIA. Identifiers: Orphanet 35, MedGen C0268579, MONDO:0011628, OMIM 606054, HP:0003571.

Submissions (2):

Labcorp Genetics (formerly Invitae), Labcorp
Classification: Likely pathogenic for Propionic acidemia. Last evaluated: 2023-06-09. Review status: criteria provided, single submitter. Criteria: Invitae Variant Classification Sherloc (09022015). Collection method: clinical testing. Allele origin: germline.
Comment: In summary, the currently available evidence indicates that the variant is pathogenic, but additional data are needed to prove that conclusively. Therefore, this variant has been classified as Likely Pathogenic. Algorithms developed to predict the effect of sequence changes on RNA splicing suggest that this variant may disrupt the consensus splice site. ClinVar contains an entry for this variant (Variation ID: 557415). This variant has not been reported in the literature in individuals affected with PCCA-related conditions. This variant is not present in population databases (gnomAD no frequency). This sequence change affects an acceptor splice site in intron 20 of the PCCA gene. It is expected to disrupt RNA splicing. Variants that disrupt the donor or acceptor splice site typically lead to a loss of protein function (PMID: 16199547), and loss-of-function variants in PCCA are known to be pathogenic (PMID: 15464417).

Counsyl
Classification: Likely pathogenic for Propionic acidemia. Last evaluated: 2018-03-30. Review status: no assertion criteria provided. Collection method: clinical testing. Allele origin: unknown. Not counted in ClinVar's aggregate classification.

Literature cited by the submitters: PubMed 16199547 (cited by Labcorp Genetics (formerly Invitae), Labcorp); PubMed 15464417 (cited by Labcorp Genetics (formerly Invitae), Labcorp).

NM_000282.4(PCCA):c.1846-1G>A

Gene: PCCA (propionyl-CoA carboxylase subunit alpha; plus strand). Cytogenetic location: 13q32.3.
Variant type: single nucleotide variant.
Coding change: c.1846-1G>A on transcript NM_000282.4 (MANE Select); the canonical splice acceptor site of the intron before coding-DNA position 1846, G replaced by A.
Molecular consequence: splice acceptor variant. On other transcripts: intron variant (2).
Genome position (GRCh38, 1-based): chr13:100,449,251, G>A. VCF-style: chr13-100449251-G-A. GRCh37 (hg19) VCF-style: chr13-101101505-G-A.
Other names: c.1846-1G>A (NM_001178004.2, NM_001352609.2); c.1845+23520G>A (NM_001352605.2); c.1702-1G>A (NM_001352606.2); c.901-1G>A (NM_001352610.2); c.900+23520G>A (NM_001352611.2); c.757-1G>A (NM_001352612.2); c.1768-1G>A (NM_001127692.3, NM_001352607.2); c.1624-1G>A (NM_001352608.2).
Identifiers: ClinVar variation 557415 (VCV000557415.5), dbSNP rs1555298451, ClinGen allele CA388695916.
Genomic context (GRCh38, chr13:100,449,251, plus strand): 5'-GAACATTACATACAAGCTGTGCAGATATGAGTTCATTTTATATCTCTTGTTTGTTTTTTA[G>A]TGTCTTTCTCGAGAAGCAGGTGGAAACATGAGCATTCAGTTTCTTGGTACAGTGGTAAGT-3'